The following is an entry in ClinVar:

NM_001330078.2(NRXN1):c.407A>C (p.Lys136Thr)

Gene: NRXN1 (neurexin 1; minus strand). Cytogenetic location: 2p16.3.
Variant type: single nucleotide variant.
Coding change: c.407A>C on transcript NM_001330078.2 (MANE Select); coding-DNA position 407, A replaced by C.
Protein change: p.Lys136Thr; replaces lysine 136 with threonine.
Molecular consequence: missense variant.
Genome position (GRCh38, 1-based): chr2:51,027,867, T>G on the plus strand (A>C on the coding strand, the complement: NRXN1 is on the minus strand). VCF-style: chr2-51027867-T-G. GRCh37 (hg19) VCF-style: chr2-51255005-T-G.
Other names: c.407A>C, p.Lys136Thr (NM_001330077.2, NM_001330079.2, NM_001330081.2 and 15 more transcripts); short protein forms K136T.
Identifiers: ClinVar variation 657579 (VCV000657579.8), dbSNP rs202118977, ClinGen allele CA346824068.

ClinVar aggregate classification (germline): Uncertain significance (1 of 4 stars; one submission).

Conditions:
Pitt-Hopkins-like syndrome 2 (PTHSL2). Identifiers: Orphanet 221150, Orphanet 600663, MedGen C3280479, MONDO:0013690, OMIM 614325.

Submission:

Labcorp Genetics (formerly Invitae), Labcorp
Classification: Uncertain significance for Pitt-Hopkins-like syndrome 2. Last evaluated: 2018-09-27. Review status: criteria provided, single submitter. Criteria: Invitae Variant Classification Sherloc (09022015). Collection method: clinical testing. Allele origin: germline.
Comment: In summary, the available evidence is currently insufficient to determine the role of this variant in disease. Therefore, it has been classified as a Variant of Uncertain Significance. This sequence change replaces lysine with threonine at codon 136 of the NRXN1 protein (p.Lys136Thr). The lysine residue is highly conserved and there is a moderate physicochemical difference between lysine and threonine. Algorithms developed to predict the effect of missense changes on protein structure and function (SIFT, PolyPhen-2, Align-GVGD) all suggest that this variant is likely to be tolerated, but these predictions have not been confirmed by published functional studies and their clinical significance is uncertain. This variant has not been reported in the literature in individuals with NRXN1-related disease. This variant is not present in population databases (ExAC no frequency).